The following is an entry in ClinVar:

NM_001367949.2(FAT3):c.10252G>T (p.Ala3418Ser)

Gene: FAT3 (FAT atypical cadherin 3; plus strand). Cytogenetic location: 11q14.3.
Variant type: single nucleotide variant.
Coding change: c.10252G>T on transcript NM_001367949.2 (MANE Select); coding-DNA position 10252, G replaced by T.
Protein change: p.Ala3418Ser; replaces alanine 3418 with serine.
Molecular consequence: missense variant.
Genome position (GRCh38, 1-based): chr11:92,837,690, G>T. VCF-style: chr11-92837690-G-T. GRCh37 (hg19) VCF-style: chr11-92570856-G-T.
Other names: c.10252G>T, p.Ala3418Ser (NM_001008781.3); short protein forms A3418S.
Identifiers: ClinVar variation 3041894 (VCV003041894.2), dbSNP rs201449521, ClinGen allele CA6228052.
Genomic context (GRCh38, chr11:92,837,690, plus strand): 5'-CCTCTTTACTGTCACCTCTTTGTACCTTGGCAGGTGTCTGGATACTCTCTGCTTGTCCAG[G>T]CCGTAGACAGTGGCATTCCTGCAATGTCATCAACTGCAACTGTCAACATTGATATTTCTG-3'
Protein context (NP_001354878.1, residues 3408-3428): RVSGYSLLVQ[Ala3418Ser]VDSGIPAMSS

ClinVar aggregate classification (germline): Likely benign (0 of 4 stars; one submission).

Conditions:
FAT3-related disorder. Also called: FAT3-related condition.

Allele frequency attached by ClinVar (database versions not stated): 1000 Genomes Project 0.00140; 1000 Genomes Project 30x 0.00141; TOPMed 0.00183; ESP Exome Variant Server 0.00187; gnomAD 0.00206; gnomAD exomes 0.00277.
gnomAD v4.1: 4,316 of 1,613,852 alleles (0.27%); highest among the groups gnomAD compares: Non-Finnish European, 0.32%; 12 homozygotes.

Submission:

PreventionGenetics, part of Exact Sciences
Classification: Likely benign for FAT3-related condition. Last evaluated: 2022-12-21. Review status: no assertion criteria provided. Collection method: clinical testing. Allele origin: germline.
Comment: This variant is classified as likely benign based on ACMG/AMP sequence variant interpretation guidelines (Richards et al. 2015 PMID: 25741868, with internal and published modifications).